The following is an entry in ClinVar:

ClinVar aggregate classification (germline): Likely benign. Review status: criteria provided, multiple submitters, no conflicts (2 of 4 stars). 2 submissions from 2 submitters: Likely benign (2). Last evaluated 2026-01-14.

Allele frequency attached by ClinVar (database versions not stated): gnomAD exomes below 0.00001; TOPMed below 0.00001; ExAC 0.00001; gnomAD 0.00001; 1000 Genomes Project 0.00020; 1000 Genomes Project 30x 0.00031.
gnomAD v4.1: 4 of 1,613,642 alleles (0.00025%); highest among the groups gnomAD compares: Non-Finnish European, 0.00034%; no homozygotes.

Submissions (2):

Labcorp Genetics (formerly Invitae), Labcorp
Classification: Likely benign. Last evaluated: 2026-01-14. Review status: criteria provided, single submitter. Criteria: Invitae Variant Classification Sherloc (09022015). Collection method: clinical testing. Allele origin: germline.

CeGaT Center for Human Genetics Tuebingen
Classification: Likely benign. Last evaluated: 2022-03-01. Review status: criteria provided, single submitter. Criteria: CeGaT Center For Human Genetics Tuebingen Variant Classification Criteria Version 2. Collection method: clinical testing. Allele origin: germline. Affected: yes. Observed: 1 variant allele.
Comment: CACNA1B: BP4, BP7

NM_000718.4(CACNA1B):c.807C>T (p.Gly269=)

Gene: CACNA1B (calcium voltage-gated channel subunit alpha1 B; plus strand). Cytogenetic location: 9q34.3.
Variant type: single nucleotide variant.
Coding change: c.807C>T on transcript NM_000718.4 (MANE Select); coding-DNA position 807, C replaced by T.
Protein change: p.Gly269=; no amino-acid change (glycine 269 retained).
Molecular consequence: synonymous variant.
Genome position (GRCh38, 1-based): chr9:137,917,272, C>T. VCF-style: chr9-137917272-C-T. GRCh37 (hg19) VCF-style: chr9-140811724-C-T.
Other names: c.807C>T, p.Gly269= (NM_001243812.2).
Identifiers: ClinVar variation 2659848 (VCV002659848.27), dbSNP rs138651598, ClinGen allele CA5375972.